The following is an entry in ClinVar:

NM_004380.3(CREBBP):c.6984G>A (p.Ser2328=)

Gene: CREBBP (CREB binding lysine acetyltransferase; minus strand). Cytogenetic location: 16p13.3.
Variant type: single nucleotide variant.
Coding change: c.6984G>A on transcript NM_004380.3 (MANE Select); coding-DNA position 6984, G replaced by A.
Protein change: p.Ser2328=; no amino-acid change (serine 2328 retained).
Molecular consequence: synonymous variant.
Genome position (GRCh38, 1-based): chr16:3,728,063, C>T on the plus strand (G>A on the coding strand, the complement: CREBBP is on the minus strand). VCF-style: chr16-3728063-C-T. GRCh37 (hg19) VCF-style: chr16-3778064-C-T.
Other names: c.6870G>A, p.Ser2290= (NM_001079846.1).
Identifiers: ClinVar variation 4987951 (VCV004987951.1).
Genomic context (GRCh38, chr16:3,728,063, plus strand): 5'-AGGGGCTGGAGACCGCACCTGGTTACTAAGGGACGTGGCGATCTGCTGGCCAGGGAGATG[C>T]GAGGCCTGTGGCTGTCCTGAGAGCATGTGTTGCTGGGGGCTCATGGGGTTCGGCTGGCCT-3'
Protein context (NP_004371.2, residues 2318-2338): QHMLSGQPQA[Ser2328=]HLPGQQIATS

ClinVar aggregate classification (germline): Likely benign (1 of 4 stars; one submission).

Conditions:
CREBBP-related disorder. Also called: CREBBP-related disorders; CREBBP-related condition.

gnomAD v4.1: 13 of 1,613,514 alleles (0.00081%); highest among the groups gnomAD compares: East Asian, 0.0089%; no homozygotes.

Submission:

PreventionGenetics, part of Exact Sciences
Classification: Likely benign for CREBBP-related condition. Last evaluated: 2025-05-13. Review status: criteria provided, single submitter. Criteria: ACMG Guidelines, 2015. Collection method: clinical testing. Allele origin: germline.
Comment: This variant is classified as likely benign based on ACMG/AMP sequence variant interpretation guidelines (Richards et al. 2015 PMID: 25741868, with internal and published modifications).